The following is an entry in ClinVar:

NM_001457.4(FLNB):c.3898+3G>A

Gene: FLNB (filamin B; plus strand). Cytogenetic location: 3p14.3.
Variant type: single nucleotide variant.
Coding change: c.3898+3G>A on transcript NM_001457.4 (MANE Select); 3 bases into the intron after coding-DNA position 3898, G replaced by A.
Molecular consequence: intron variant.
Genome position (GRCh38, 1-based): chr3:58,124,508, G>A. VCF-style: chr3-58124508-G-A. GRCh37 (hg19) VCF-style: chr3-58110235-G-A.
Other names: c.3898+3G>A (NM_001164317.2, NM_001164318.2, NM_001164319.2).
Identifiers: ClinVar variation 3637371 (VCV003637371.2).

ClinVar aggregate classification (germline): Uncertain significance (1 of 4 stars; one submission).

gnomAD v4.1: 9 of 1,614,040 alleles (0.00056%); highest among the groups gnomAD compares: Admixed American, 0.0017%; no homozygotes.

Submission:

Labcorp Genetics (formerly Invitae), Labcorp
Classification: Uncertain significance. Last evaluated: 2024-02-20. Review status: criteria provided, single submitter. Criteria: Invitae Variant Classification Sherloc (09022015). Collection method: clinical testing. Allele origin: germline.
Comment: This sequence change falls in intron 22 of the FLNB gene. It does not directly change the encoded amino acid sequence of the FLNB protein. It affects a nucleotide within the consensus splice site. This variant is present in population databases (no rsID available, gnomAD 0.003%). This variant has not been reported in the literature in individuals affected with FLNB-related conditions. Variants that disrupt the consensus splice site are a relatively common cause of aberrant splicing (PMID: 17576681, 9536098). Algorithms developed to predict the effect of sequence changes on RNA splicing suggest that this variant is not likely to affect RNA splicing. In summary, the available evidence is currently insufficient to determine the role of this variant in disease. Therefore, it has been classified as a Variant of Uncertain Significance.

Literature cited by the submitters: PubMed 17576681; PubMed 9536098.